The following is an entry in ClinVar:

ClinVar aggregate classification (germline): Uncertain significance. Review status: criteria provided, multiple submitters, no conflicts (2 of 4 stars). 2 submissions from 2 submitters: Uncertain significance (2). Last evaluated 2024-09-10.

Conditions:
Inborn genetic diseases. Identifiers: MedGen C0950123, MeSH D030342.

Allele frequency attached by ClinVar (database versions not stated): gnomAD exomes 0.00001; ExAC 0.00002; gnomAD 0.00005.
gnomAD v4.1: 23 of 1,613,624 alleles (0.0014%); highest among the groups gnomAD compares: Admixed American, 0.005%; no homozygotes.

Submissions (2):

Ambry Genetics
Classification: Uncertain significance for Inborn genetic diseases. Last evaluated: 2024-09-10. Review status: criteria provided, single submitter. Criteria: Ambry Variant Classification Scheme 2023. Collection method: clinical testing. Allele origin: germline.

Labcorp Genetics (formerly Invitae), Labcorp
Classification: Uncertain significance. Last evaluated: 2023-10-29. Review status: criteria provided, single submitter. Criteria: Invitae Variant Classification Sherloc (09022015). Collection method: clinical testing. Allele origin: germline.
Comment: This sequence change replaces arginine, which is basic and polar, with histidine, which is basic and polar, at codon 132 of the DHCR24 protein (p.Arg132His). This variant is present in population databases (rs775669712, gnomAD 0.004%). This variant has not been reported in the literature in individuals affected with DHCR24-related conditions. Advanced modeling of protein sequence and biophysical properties (such as structural, functional, and spatial information, amino acid conservation, physicochemical variation, residue mobility, and thermodynamic stability) performed at Invitae indicates that this missense variant is not expected to disrupt DHCR24 protein function with a negative predictive value of 80%. In summary, the available evidence is currently insufficient to determine the role of this variant in disease. Therefore, it has been classified as a Variant of Uncertain Significance.

NM_014762.4(DHCR24):c.395G>A (p.Arg132His)

Gene: DHCR24 (24-dehydrocholesterol reductase; minus strand). Cytogenetic location: 1p32.3.
Variant type: single nucleotide variant.
Coding change: c.395G>A on transcript NM_014762.4 (MANE Select); coding-DNA position 395, G replaced by A.
Protein change: p.Arg132His; replaces arginine 132 with histidine.
Molecular consequence: missense variant.
Genome position (GRCh38, 1-based): chr1:54,876,040, C>T on the plus strand (G>A on the coding strand, the complement: DHCR24 is on the minus strand). VCF-style: chr1-54876040-C-T. GRCh37 (hg19) VCF-style: chr1-55341713-C-T.
Other names: c.395G>A (NM_014762.3); short protein forms R132H.
Identifiers: ClinVar variation 2861190 (VCV002861190.4), dbSNP rs775669712, ClinGen allele CA870837.